The following is an entry in ClinVar:

NM_001029896.2(WDR45):c.809G>A (p.Arg270His)

Gene: WDR45 (WD repeat domain 45; minus strand). Cytogenetic location: Xp11.23.
Variant type: single nucleotide variant.
Coding change: c.809G>A on transcript NM_001029896.2 (MANE Select); coding-DNA position 809, G replaced by A.
Protein change: p.Arg270His; replaces arginine 270 with histidine.
Molecular consequence: missense variant.
Genome position (GRCh38, 1-based): chrX:49,075,382, C>T on the plus strand (G>A on the coding strand, the complement: WDR45 is on the minus strand). VCF-style: chrX-49075382-C-T. GRCh37 (hg19) VCF-style: chrX-48933041-C-T.
Other names: c.812G>A, p.Arg271His (NM_007075.4); short protein forms R270H, R271H.
Identifiers: ClinVar variation 1011617 (VCV001011617.8), dbSNP rs1557083966, ClinGen allele CA412942687.
Genomic context (GRCh38, chrX:49,075,382, plus strand): 5'-CAGGGGGACAGGGACACGGTAGGGTGGGGAGGGGGTACTCACGCGGAGCGGCGGTTGAGG[C>T]GGGTATCCTTGAGAGCAAAGATATGGACAGTACCCTTATCACTGGAAGCGCAGAGGAAGG-3'
Protein context (NP_001025067.1, residues 260-280): TVHIFALKDT[Arg270His]LNRRSALARV

ClinVar aggregate classification (germline): Uncertain significance (1 of 4 stars; one submission).

Conditions:
Neurodegeneration with brain iron accumulation 5 (NBIA5). Also called: Beta-propeller protein-associated neurodegeneration; STATIC ENCEPHALOPATHY OF CHILDHOOD WITH NEURODEGENERATION IN ADULTHOOD. Identifiers: Orphanet 329284, MedGen C3550973, MONDO:0010476, OMIM 300894.

Allele frequency attached by ClinVar (database versions not stated): gnomAD exomes below 0.00001 and 0.00001.
gnomAD v4.1: 5 of 1,202,975 alleles (0.00042%); highest among the groups gnomAD compares: South Asian, 0.0018%; no homozygotes.

Submission:

Labcorp Genetics (formerly Invitae), Labcorp
Classification: Uncertain significance for Neurodegeneration with brain iron accumulation 5. Last evaluated: 2020-08-30. Review status: criteria provided, single submitter. Criteria: Invitae Variant Classification Sherloc (09022015). Collection method: clinical testing. Allele origin: germline.
Comment: This sequence change replaces arginine with histidine at codon 271 of the WDR45 protein (p.Arg271His). The arginine residue is moderately conserved and there is a small physicochemical difference between arginine and histidine. In summary, the available evidence is currently insufficient to determine the role of this variant in disease. Therefore, it has been classified as a Variant of Uncertain Significance. Algorithms developed to predict the effect of missense changes on protein structure and function (SIFT, PolyPhen-2, Align-GVGD) all suggest that this variant is likely to be tolerated, but these predictions have not been confirmed by published functional studies and their clinical significance is uncertain. This variant has not been reported in the literature in individuals with WDR45-related conditions. This variant is not present in population databases (ExAC no frequency).